The following is an entry in ClinVar:

GRCh38/hg38 22q11.21(chr22:20394686-21145682)x3

Genes: AIFM3 (AIF family member 3; plus strand), CRKL (CRK like proto-oncogene, adaptor protein; plus strand), KLHL22 (kelch like family member 22; minus strand), LINC01637 (long independently transcribed non-coding RNA 1637; plus strand), LRRC74B (leucine rich repeat containing 74B; plus strand) and 59 more. Cytogenetic location: 22q11.21.
Variant type: copy number gain.
Change: copy number 3 (three copies instead of two) of chr22:20,394,686-21,145,682 (751.0 kb, GRCh38 coordinates, 1-based), cytogenetic band 22q11.21.
Identifiers: ClinVar variation 57102 (VCV000057102.1).

ClinVar aggregate classification (germline): Pathogenic (1 of 4 stars; one submission).

Submission:

ISCA site 4
Classification: Pathogenic. Last evaluated: 2011-08-12. Review status: criteria provided, single submitter. Criteria: Kaminsky et al. (Genet Med. 2011). Collection method: clinical testing. Allele origin: unknown. Affected: yes. Observed: 1 variant allele.
Comment: Copy number variation identified through the course of routine clinical cytogenomic testing in postnatal populations. Clinical assertions have been curated as described in Kaminsky et al. 2011.